The following continues an entry in ClinVar:

NM_024596.5(MCPH1):c.1728C>T (p.Gly576=)

Gene: MCPH1. ClinVar aggregate classification (germline): Benign. Benign (7).

Submissions 69 to 109 of 109:

Dr. Peter K. Rogan Lab, Western University
No classification provided (evidence only). Condition: Malignant lymphoma, large B-cell, diffuse. Review status: no classification provided. Collection method: in vitro. Allele origin: not applicable. Functional consequence: retained intron. Not counted in ClinVar's aggregate classification.

Dr. Peter K. Rogan Lab, Western University
No classification provided (evidence only). Condition: Nonpapillary renal cell carcinoma. Review status: no classification provided. Collection method: in vitro. Allele origin: not applicable. Functional consequence: retained intron. Not counted in ClinVar's aggregate classification.

Dr. Peter K. Rogan Lab, Western University
No classification provided (evidence only). Condition: Nonpapillary renal cell carcinoma. Review status: no classification provided. Collection method: in vitro. Allele origin: not applicable. Functional consequence: retained intron. Not counted in ClinVar's aggregate classification.

Dr. Peter K. Rogan Lab, Western University
No classification provided (evidence only). Condition: Thymoma. Review status: no classification provided. Collection method: in vitro. Allele origin: not applicable. Functional consequence: retained intron. Not counted in ClinVar's aggregate classification.

Dr. Peter K. Rogan Lab, Western University
No classification provided (evidence only). Condition: Thymoma. Review status: no classification provided. Collection method: in vitro. Allele origin: not applicable. Functional consequence: retained intron. Not counted in ClinVar's aggregate classification.

Dr. Peter K. Rogan Lab, Western University
No classification provided (evidence only). Condition: Thymoma. Review status: no classification provided. Collection method: in vitro. Allele origin: not applicable. Functional consequence: retained intron. Not counted in ClinVar's aggregate classification.

Dr. Peter K. Rogan Lab, Western University
No classification provided (evidence only). Condition: Thymoma. Review status: no classification provided. Collection method: in vitro. Allele origin: not applicable. Functional consequence: retained intron. Not counted in ClinVar's aggregate classification.

Dr. Peter K. Rogan Lab, Western University
No classification provided (evidence only). Condition: Thymoma. Review status: no classification provided. Collection method: in vitro. Allele origin: not applicable. Functional consequence: retained intron. Not counted in ClinVar's aggregate classification.

Dr. Peter K. Rogan Lab, Western University
No classification provided (evidence only). Condition: Thymoma. Review status: no classification provided. Collection method: in vitro. Allele origin: not applicable. Functional consequence: retained intron. Not counted in ClinVar's aggregate classification.

Dr. Peter K. Rogan Lab, Western University
No classification provided (evidence only). Condition: Cholangiocarcinoma. Review status: no classification provided. Collection method: in vitro. Allele origin: not applicable. Functional consequence: retained intron. Not counted in ClinVar's aggregate classification.

Dr. Peter K. Rogan Lab, Western University
No classification provided (evidence only). Condition: Cholangiocarcinoma. Review status: no classification provided. Collection method: in vitro. Allele origin: not applicable. Functional consequence: retained intron. Not counted in ClinVar's aggregate classification.

Dr. Peter K. Rogan Lab, Western University
No classification provided (evidence only). Condition: Ovarian serous cystadenocarcinoma. Review status: no classification provided. Collection method: in vitro. Allele origin: not applicable. Functional consequence: retained intron. Not counted in ClinVar's aggregate classification.

Dr. Peter K. Rogan Lab, Western University
No classification provided (evidence only). Condition: Ovarian serous cystadenocarcinoma. Review status: no classification provided. Collection method: in vitro. Allele origin: not applicable. Functional consequence: retained intron. Not counted in ClinVar's aggregate classification.

Dr. Peter K. Rogan Lab, Western University
No classification provided (evidence only). Condition: Ovarian serous cystadenocarcinoma. Review status: no classification provided. Collection method: in vitro. Allele origin: not applicable. Functional consequence: retained intron. Not counted in ClinVar's aggregate classification.

Dr. Peter K. Rogan Lab, Western University
No classification provided (evidence only). Condition: Ovarian serous cystadenocarcinoma. Review status: no classification provided. Collection method: in vitro. Allele origin: not applicable. Functional consequence: retained intron. Not counted in ClinVar's aggregate classification.

Dr. Peter K. Rogan Lab, Western University
No classification provided (evidence only). Condition: Ovarian serous cystadenocarcinoma. Review status: no classification provided. Collection method: in vitro. Allele origin: not applicable. Functional consequence: retained intron. Not counted in ClinVar's aggregate classification.

Dr. Peter K. Rogan Lab, Western University
No classification provided (evidence only). Condition: Ovarian serous cystadenocarcinoma. Review status: no classification provided. Collection method: in vitro. Allele origin: not applicable. Functional consequence: retained intron. Not counted in ClinVar's aggregate classification.

Dr. Peter K. Rogan Lab, Western University
No classification provided (evidence only). Condition: Ovarian serous cystadenocarcinoma. Review status: no classification provided. Collection method: in vitro. Allele origin: not applicable. Functional consequence: retained intron. Not counted in ClinVar's aggregate classification.

Dr. Peter K. Rogan Lab, Western University
No classification provided (evidence only). Condition: Ovarian serous cystadenocarcinoma. Review status: no classification provided. Collection method: in vitro. Allele origin: not applicable. Functional consequence: retained intron. Not counted in ClinVar's aggregate classification.

Dr. Peter K. Rogan Lab, Western University
No classification provided (evidence only). Condition: Ovarian serous cystadenocarcinoma. Review status: no classification provided. Collection method: in vitro. Allele origin: not applicable. Functional consequence: retained intron. Not counted in ClinVar's aggregate classification.

Dr. Peter K. Rogan Lab, Western University
No classification provided (evidence only). Condition: Ovarian serous cystadenocarcinoma. Review status: no classification provided. Collection method: in vitro. Allele origin: not applicable. Functional consequence: retained intron. Not counted in ClinVar's aggregate classification.

Dr. Peter K. Rogan Lab, Western University
No classification provided (evidence only). Condition: Uterine carcinosarcoma. Review status: no classification provided. Collection method: in vitro. Allele origin: not applicable. Functional consequence: retained intron. Not counted in ClinVar's aggregate classification.

Dr. Peter K. Rogan Lab, Western University
No classification provided (evidence only). Condition: Uterine carcinosarcoma. Review status: no classification provided. Collection method: in vitro. Allele origin: not applicable. Functional consequence: retained intron. Not counted in ClinVar's aggregate classification.

Dr. Peter K. Rogan Lab, Western University
No classification provided (evidence only). Condition: Uterine carcinosarcoma. Review status: no classification provided. Collection method: in vitro. Allele origin: not applicable. Functional consequence: retained intron. Not counted in ClinVar's aggregate classification.

Dr. Peter K. Rogan Lab, Western University
No classification provided (evidence only). Condition: Uterine carcinosarcoma. Review status: no classification provided. Collection method: in vitro. Allele origin: not applicable. Functional consequence: retained intron. Not counted in ClinVar's aggregate classification.

Dr. Peter K. Rogan Lab, Western University
No classification provided (evidence only). Condition: Uveal melanoma. Review status: no classification provided. Collection method: in vitro. Allele origin: not applicable. Functional consequence: retained intron. Not counted in ClinVar's aggregate classification.

Dr. Peter K. Rogan Lab, Western University
No classification provided (evidence only). Condition: Uveal melanoma. Review status: no classification provided. Collection method: in vitro. Allele origin: not applicable. Functional consequence: retained intron. Not counted in ClinVar's aggregate classification.

Dr. Peter K. Rogan Lab, Western University
No classification provided (evidence only). Condition: Nonpapillary renal cell carcinoma. Review status: no classification provided. Collection method: in vitro. Allele origin: not applicable. Functional consequence: retained intron. Not counted in ClinVar's aggregate classification.

Dr. Peter K. Rogan Lab, Western University
No classification provided (evidence only). Condition: Nonpapillary renal cell carcinoma. Review status: no classification provided. Collection method: in vitro. Allele origin: not applicable. Functional consequence: retained intron. Not counted in ClinVar's aggregate classification.

Dr. Peter K. Rogan Lab, Western University
No classification provided (evidence only). Condition: Nonpapillary renal cell carcinoma. Review status: no classification provided. Collection method: in vitro. Allele origin: not applicable. Functional consequence: retained intron. Not counted in ClinVar's aggregate classification.

Dr. Peter K. Rogan Lab, Western University
No classification provided (evidence only). Condition: Nonpapillary renal cell carcinoma. Review status: no classification provided. Collection method: in vitro. Allele origin: not applicable. Functional consequence: retained intron. Not counted in ClinVar's aggregate classification.

Dr. Peter K. Rogan Lab, Western University
No classification provided (evidence only). Condition: Familial pancreatic carcinoma. Review status: no classification provided. Collection method: in vitro. Allele origin: not applicable. Functional consequence: retained intron. Not counted in ClinVar's aggregate classification.

Dr. Peter K. Rogan Lab, Western University
No classification provided (evidence only). Condition: Familial pancreatic carcinoma. Review status: no classification provided. Collection method: in vitro. Allele origin: not applicable. Functional consequence: retained intron. Not counted in ClinVar's aggregate classification.

Dr. Peter K. Rogan Lab, Western University
No classification provided (evidence only). Condition: Familial pancreatic carcinoma. Review status: no classification provided. Collection method: in vitro. Allele origin: not applicable. Functional consequence: retained intron. Not counted in ClinVar's aggregate classification.

Dr. Peter K. Rogan Lab, Western University
No classification provided (evidence only). Condition: Lymphoma. Review status: no classification provided. Collection method: in vitro. Allele origin: not applicable. Functional consequence: retained intron. Not counted in ClinVar's aggregate classification.

Dr. Peter K. Rogan Lab, Western University
No classification provided (evidence only). Condition: Lymphoma. Review status: no classification provided. Collection method: in vitro. Allele origin: not applicable. Functional consequence: retained intron. Not counted in ClinVar's aggregate classification.

Dr. Peter K. Rogan Lab, Western University
No classification provided (evidence only). Condition: Ovarian cancer. Review status: no classification provided. Collection method: in vitro. Allele origin: not applicable. Functional consequence: retained intron. Not counted in ClinVar's aggregate classification.

Dr. Peter K. Rogan Lab, Western University
No classification provided (evidence only). Condition: Ovarian cancer. Review status: no classification provided. Collection method: in vitro. Allele origin: not applicable. Functional consequence: retained intron. Not counted in ClinVar's aggregate classification.

Dr. Peter K. Rogan Lab, Western University
No classification provided (evidence only). Condition: Ovarian cancer. Review status: no classification provided. Collection method: in vitro. Allele origin: not applicable. Functional consequence: retained intron. Not counted in ClinVar's aggregate classification.

Dr. Peter K. Rogan Lab, Western University
No classification provided (evidence only). Condition: Ovarian cancer. Review status: no classification provided. Collection method: in vitro. Allele origin: not applicable. Functional consequence: retained intron. Not counted in ClinVar's aggregate classification.

Joint Genome Diagnostic Labs from Nijmegen and Maastricht, Radboudumc and MUMC+
Classification: Benign. Review status: no assertion criteria provided. Collection method: clinical testing. Allele origin: germline. Affected: yes. Study: VKGL Data-share Consensus. Not counted in ClinVar's aggregate classification.